The following is an entry in ClinVar:

NC_000013.11:g.48303745del

Gene: RB1 (RB transcriptional corepressor 1; plus strand). Cytogenetic location: 13q14.2.
Variant type: Deletion.
Genome position: GRCh38 VCF-style: chr13-48303743-CG-C. GRCh37 (hg19) VCF-style: chr13-48877879-CG-C.
Identifiers: ClinVar variation 4798175 (VCV004798175.1).
Genomic context (GRCh38, chr13:48,303,743, plus strand): 5'-CCCGGGAGCCTCGCGGACGTGACGCCGCGGGCGGAAGTGACGTTTTCCCGCGGTTGGACG[CG>C]GCGCTCAGTTGCCGGGCGGGGGAGGGCGCGTCCGGTTTTTCTCAGGGGACGTTGAAATTA-3'

ClinVar aggregate classification (germline): Uncertain significance (1 of 4 stars; one submission).

Conditions:
Retinoblastoma (RB1). Also called: RETINOBLASTOMA, SOMATIC. Identifiers: Orphanet 790, MedGen C0035335, MeSH D012175, MONDO:0008380, OMIM 180200, HP:0009919. Disease mechanism: loss of function. Inheritance: Both sporadic and heritable forms are tested..

Submission:

Labcorp Genetics (formerly Invitae), Labcorp
Classification: Uncertain significance for Retinoblastoma. Last evaluated: 2025-12-01. Review status: criteria provided, single submitter. Criteria: Invitae Variant Classification Sherloc (09022015). Collection method: clinical testing. Allele origin: germline.
Comment: This variant occurs in a non-coding region of the RB1 gene. It does not change the encoded amino acid sequence of the RB1 protein. This variant is not present in population databases (gnomAD no frequency). This variant has not been reported in the literature in individuals affected with RB1-related conditions. Experimental studies and prediction algorithms are not available or were not evaluated, and the functional significance of this variant is currently unknown. In summary, the available evidence is currently insufficient to determine the role of this variant in disease. Therefore, it has been classified as a Variant of Uncertain Significance.